The following is an entry in ClinVar:

NM_000051.4(ATM):c.5970T>A (p.Ser1990Arg)

Genes: ATM (ATM serine/threonine kinase; plus strand), C11orf65 (chromosome 11 open reading frame 65; minus strand). Cytogenetic location: 11q22.3.
Variant type: single nucleotide variant.
Coding change: c.5970T>A on transcript NM_000051.4 (MANE Select); coding-DNA position 5970, T replaced by A.
Protein change: p.Ser1990Arg; replaces serine 1990 with arginine.
Molecular consequence: missense variant. On other transcripts: intron variant (2).
Genome position (GRCh38, 1-based): chr11:108,312,462, T>A. VCF-style: chr11-108312462-T-A. GRCh37 (hg19) VCF-style: chr11-108183189-T-A.
Other names: c.5970T>A, p.Ser1990Arg (NM_001351834.2); c.641-3391A>T (NM_001330368.2); c.*39-3391A>T (NM_001351110.2); short protein forms S1990R.
Identifiers: ClinVar variation 863638 (VCV000863638.11), dbSNP rs2084248780, ClinGen allele CA382548734.

ClinVar aggregate classification (germline): Uncertain significance. Review status: criteria provided, multiple submitters, no conflicts (2 of 4 stars). 2 submissions from 2 submitters: Uncertain significance (2). Last evaluated 2024-05-16.

Conditions:
Hereditary cancer-predisposing syndrome. Also called: Tumor predisposition; Neoplastic Syndromes, Hereditary; Hereditary Cancer Syndrome; Hereditary neoplastic syndrome. Identifiers: Orphanet 140162, MedGen C0027672, MeSH D009386, MONDO:0015356.
Ataxia-telangiectasia syndrome (AT). Also called: ATAXIA-TELANGIECTASIA, COMPLEMENTATION GROUP A; ATAXIA-TELANGIECTASIA, FRESNO VARIANT; Ataxia-telangiectasia; Ataxia-telangiectasia, complementation group D; AT, COMPLEMENTATION GROUP C; Ataxia-telangiectasia, complementation group E. Identifiers: Orphanet 100, MedGen C0004135, MONDO:0008840, OMIM 208900.

Submissions (2):

Ambry Genetics
Classification: Uncertain significance for Hereditary cancer-predisposing syndrome. Last evaluated: 2024-05-16. Review status: criteria provided, single submitter. Criteria: Ambry Variant Classification Scheme 2023. Collection method: clinical testing. Allele origin: germline.
Comment: The p.S1990R variant (also known as c.5970T>A), located in coding exon 39 of the ATM gene, results from a T to A substitution at nucleotide position 5970. The serine at codon 1990 is replaced by arginine, an amino acid with dissimilar properties. This amino acid position is conserved. In addition, this alteration is predicted to be tolerated by in silico analysis. Based on the available evidence, the clinical significance of this variant remains unclear.

Labcorp Genetics (formerly Invitae), Labcorp
Classification: Uncertain significance for Ataxia-telangiectasia syndrome. Last evaluated: 2023-05-15. Review status: criteria provided, single submitter. Criteria: Invitae Variant Classification Sherloc (09022015). Collection method: clinical testing. Allele origin: germline.
Comment: An algorithm developed to predict the effect of missense changes on protein structure and function (PolyPhen-2) suggests that this variant is likely to be disruptive. In summary, the available evidence is currently insufficient to determine the role of this variant in disease. Therefore, it has been classified as a Variant of Uncertain Significance. ClinVar contains an entry for this variant (Variation ID: 863638). This variant has not been reported in the literature in individuals affected with ATM-related conditions. This variant is not present in population databases (gnomAD no frequency). This sequence change replaces serine, which is neutral and polar, with arginine, which is basic and polar, at codon 1990 of the ATM protein (p.Ser1990Arg).